The following is an entry in ClinVar:

NM_021625.5(TRPV4):c.1778C>G (p.Thr593Ser)

Gene: TRPV4 (transient receptor potential cation channel subfamily V member 4; minus strand). Cytogenetic location: 12q24.11.
Variant type: single nucleotide variant.
Coding change: c.1778C>G on transcript NM_021625.5 (MANE Select); coding-DNA position 1778, C replaced by G.
Protein change: p.Thr593Ser; replaces threonine 593 with serine.
Molecular consequence: missense variant.
Genome position (GRCh38, 1-based): chr12:109,792,698, G>C on the plus strand (C>G on the coding strand, the complement: TRPV4 is on the minus strand). VCF-style: chr12-109792698-G-C. GRCh37 (hg19) VCF-style: chr12-110230503-G-C.
Other names: c.1637C>G, p.Thr546Ser (NM_001177428.2); c.1676C>G, p.Thr559Ser (NM_001177431.2); c.1457C>G, p.Thr486Ser (NM_001177433.2); c.1598C>G, p.Thr533Ser (NM_147204.3); short protein forms T546S, T486S, T593S, T533S, T559S.
Identifiers: ClinVar variation 2865098 (VCV002865098.3), dbSNP rs2548726684, ClinGen allele CA386652201.

ClinVar aggregate classification (germline): Uncertain significance (1 of 4 stars; one submission).

Conditions:
Charcot-Marie-Tooth disease axonal type 2C (HMSN2C). Also called: CHARCOT-MARIE-TOOTH DISEASE, AXONAL, AUTOSOMAL DOMINANT, TYPE 2C; Charcot-Marie-Tooth Neuropathy Type 2C; Charcot-Marie-Tooth Disease Type 2, TRPV4-Related (CMT2C). Identifiers: Orphanet 99937, MedGen C1853710, MONDO:0011633, OMIM 606071.

Submission:

Labcorp Genetics (formerly Invitae), Labcorp
Classification: Uncertain significance for Charcot-Marie-Tooth disease axonal type 2C. Last evaluated: 2023-05-16. Review status: criteria provided, single submitter. Criteria: Invitae Variant Classification Sherloc (09022015). Collection method: clinical testing. Allele origin: germline.
Comment: This variant has not been reported in the literature in individuals affected with TRPV4-related conditions. In summary, the available evidence is currently insufficient to determine the role of this variant in disease. Therefore, it has been classified as a Variant of Uncertain Significance. Advanced modeling of protein sequence and biophysical properties (such as structural, functional, and spatial information, amino acid conservation, physicochemical variation, residue mobility, and thermodynamic stability) has been performed at Invitae for this missense variant, however the output from this modeling did not meet the statistical confidence thresholds required to predict the impact of this variant on TRPV4 protein function. This variant is not present in population databases (gnomAD no frequency). This sequence change replaces threonine, which is neutral and polar, with serine, which is neutral and polar, at codon 593 of the TRPV4 protein (p.Thr593Ser).